The following is an entry in ClinVar:

ClinVar aggregate classification (germline): Pathogenic (1 of 4 stars; one submission).

Conditions:
Telangiectasia, hereditary hemorrhagic, type 2 (HHT2). Also called: ACVRL1-Related Hereditary Hemorrhagic Telangiectasia; Telangiectasia, hereditary hemorrhagic, type II. Identifiers: Orphanet 774, MedGen C1838163, MONDO:0010880, OMIM 600376. Disease mechanism: loss of function.

Submission:

Labcorp Genetics (formerly Invitae), Labcorp
Classification: Pathogenic for Telangiectasia, hereditary hemorrhagic, type 2. Last evaluated: 2018-04-03. Review status: criteria provided, single submitter. Criteria: Invitae Variant Classification Sherloc (09022015). Collection method: clinical testing. Allele origin: germline.
Comment: This variant is an out-of-frame deletion of the genomic region encompassing the last 34 nucleotides of exon 4 and¬† exons 5-9 of the ACVRL1 gene (c.492_1378-239del). This is expected to create a premature translational stop signal and result in an absent or disrupted protein product. This variant has not been reported in the literature in individuals with ACVRL1-related disease. Loss-of-function variants in ACVRL1 are known to be pathogenic (PMID: 15879500). For these reasons, this variant has been classified as Pathogenic.

Literature cited by the submitters: PubMed 15879500.

NC_000012.12:g.(?_51913539)_(51919135_?)del

Gene: ACVRL1 (activin A receptor like type 1; plus strand). Cytogenetic location: 12q13.13.
Variant type: Deletion.
Identifiers: ClinVar variation 533358 (VCV000533358.3).